The following is an entry in ClinVar:

NM_002834.5(PTPN11):c.103A>C (p.Lys35Gln)

Gene: PTPN11 (protein tyrosine phosphatase non-receptor type 11; plus strand). Cytogenetic location: 12q24.13.
Variant type: single nucleotide variant.
Coding change: c.103A>C on transcript NM_002834.5 (MANE Select); coding-DNA position 103, A replaced by C.
Protein change: p.Lys35Gln; replaces lysine 35 with glutamine.
Molecular consequence: missense variant.
Genome position (GRCh38, 1-based): chr12:112,446,364, A>C. VCF-style: chr12-112446364-A-C. GRCh37 (hg19) VCF-style: chr12-112884168-A-C.
Other names: c.103A>C, p.Lys35Gln (NM_001330437.2, NM_001374625.1, NM_080601.3); short protein forms K35Q.
Identifiers: ClinVar variation 561739 (VCV000561739.2), dbSNP rs934388335, ClinGen allele CA386776304.
Genomic context (GRCh38, chr12:112,446,364, plus strand): 5'-GAGGCAGAAAACCTACTGTTGACAAGAGGAGTTGATGGCAGTTTTTTGGCAAGGCCTAGT[A>C]AAAGTAACCCTGGAGACTTCACACTTTCCGTTAGGTAAGTTGGAATGAAAAGAGAGGATC-3'
Protein context (NP_002825.3, residues 25-45): VDGSFLARPS[Lys35Gln]SNPGDFTLSV

ClinVar aggregate classification (germline): Uncertain significance. Review status: criteria provided, multiple submitters, no conflicts (2 of 4 stars). 2 submissions from 2 submitters: Uncertain significance (2). Last evaluated 2023-11-29.

Conditions:
Cardiovascular phenotype. Identifiers: MedGen CN230736.

gnomAD v4.1: 1 of 1,614,166 alleles (0.000062%); highest among the groups gnomAD compares: Non-Finnish European, 0.000085%; no homozygotes.

Submissions (2):

Ambry Genetics
Classification: Uncertain significance for Cardiovascular phenotype. Last evaluated: 2023-11-29. Review status: criteria provided, single submitter. Criteria: Ambry Variant Classification Scheme 2023. Collection method: clinical testing. Allele origin: germline.
Comment: The p.K35Q variant (also known as c.103A>C), located in coding exon 2 of the PTPN11 gene, results from an A to C substitution at nucleotide position 103. The lysine at codon 35 is replaced by glutamine, an amino acid with similar properties. This amino acid position is highly conserved in available vertebrate species. In addition, the in silico prediction for this alteration is inconclusive. Since supporting evidence is limited at this time, the clinical significance of this alteration remains unclear.

GeneDx
Classification: Uncertain significance. Last evaluated: 2018-02-21. Review status: criteria provided, single submitter. Criteria: GeneDx Variant Classification (06012015). Collection method: clinical testing. Allele origin: germline. Affected: yes.
Comment: The K35Q variant of uncertain significance in the PTPN11 gene has not been published as pathogenic or benign to our knowledge. This variant is not observed in large population cohorts (Lek et al., 2016). In addition, K35Q is a semi-conservative amino acid substitution, which may impact secondary protein structure as these residues differ in some properties. However, in-silico analyses, including protein predictors and evolutionary conservation, support that this variant does not alter protein structure/function.Therefore, based on the currently available information, it is unclear whether this variant is pathogenic or rare benign.